The following is an entry in ClinVar:

ClinVar aggregate classification (germline): Uncertain significance (1 of 4 stars; one submission).

Conditions:
Rhabdoid tumor predisposition syndrome 2 (RTPS2). Identifiers: Orphanet 231108, Orphanet 69077, MedGen C2750074, MONDO:0013224, OMIM 613325.

Submission:

Labcorp Genetics (formerly Invitae), Labcorp
Classification: Uncertain significance for Rhabdoid tumor predisposition syndrome 2. Last evaluated: 2021-05-18. Review status: criteria provided, single submitter. Criteria: Invitae Variant Classification Sherloc (09022015). Collection method: clinical testing. Allele origin: germline.
Comment: In summary, the available evidence is currently insufficient to determine the role of this variant in disease. Therefore, it has been classified as a Variant of Uncertain Significance. This sequence change replaces methionine with lysine at codon 96 of the SMARCA4 protein (p.Met96Lys). The methionine residue is highly conserved and there is a moderate physicochemical difference between methionine and lysine. This variant is not present in population databases (ExAC no frequency). This variant has not been reported in the literature in individuals with SMARCA4-related conditions. Algorithms developed to predict the effect of missense changes on protein structure and function are either unavailable or do not agree on the potential impact of this missense change (SIFT: "Deleterious"; PolyPhen-2: "Benign"; Align-GVGD: "Class C55").

NM_003072.5(SMARCA4):c.287T>A (p.Met96Lys)

Gene: SMARCA4 (SWI/SNF related BAF chromatin remodeling complex subunit ATPase 4; plus strand). Cytogenetic location: 19p13.2.
Variant type: single nucleotide variant.
Coding change: c.287T>A on transcript NM_003072.5 (MANE Select); coding-DNA position 287, T replaced by A.
Protein change: p.Met96Lys; replaces methionine 96 with lysine.
Molecular consequence: missense variant. On other transcripts: non-coding transcript variant (1).
Genome position (GRCh38, 1-based): chr19:10,985,337, T>A. VCF-style: chr19-10985337-T-A. GRCh37 (hg19) VCF-style: chr19-11096013-T-A.
Other names: c.287T>A, p.Met96Lys (NM_001128844.3, NM_001128845.2, NM_001128846.2 and 5 more transcripts); short protein forms M96K.
Identifiers: ClinVar variation 1465181 (VCV001465181.8), dbSNP rs2145750571, ClinGen allele CA404055221.